The following is an entry in ClinVar:

NM_001367624.2(ZNF469):c.8654C>T (p.Pro2885Leu)

Gene: ZNF469 (zinc finger protein 469; plus strand). Cytogenetic location: 16q24.2.
Variant type: single nucleotide variant.
Coding change: c.8654C>T on transcript NM_001367624.2 (MANE Select); coding-DNA position 8654, C replaced by T.
Protein change: p.Pro2885Leu; replaces proline 2885 with leucine.
Molecular consequence: missense variant.
Genome position (GRCh38, 1-based): chr16:88,436,124, C>T. VCF-style: chr16-88436124-C-T. GRCh37 (hg19) VCF-style: chr16-88502532-C-T.
Other names: short protein forms P2885L.
Identifiers: ClinVar variation 320993 (VCV000320993.13), dbSNP rs886052413, ClinGen allele CA10649199.

ClinVar aggregate classification (germline): Uncertain significance. Review status: criteria provided, multiple submitters, no conflicts (2 of 4 stars). 2 submissions from 2 submitters: Uncertain significance (2). Last evaluated 2025-03-22.

Conditions:
Cardiovascular phenotype. Identifiers: MedGen CN230736.

Allele frequency attached by ClinVar (database versions not stated): gnomAD 0.00003 and 0.00005; gnomAD exomes 0.00005; TOPMed 0.00005.
gnomAD v4.1: 72 of 1,548,310 alleles (0.0047%); highest among the groups gnomAD compares: Non-Finnish European, 0.0058%; no homozygotes.

Submissions (2):

Ambry Genetics
Classification: Uncertain significance for Cardiovascular phenotype. Last evaluated: 2025-03-22. Review status: criteria provided, single submitter. Criteria: Ambry Variant Classification Scheme 2023. Collection method: clinical testing. Allele origin: germline.

Labcorp Genetics (formerly Invitae), Labcorp
Classification: Uncertain significance. Last evaluated: 2022-02-08. Review status: criteria provided, single submitter. Criteria: Invitae Variant Classification Sherloc (09022015). Collection method: clinical testing. Allele origin: germline.
Comment: This sequence change replaces proline, which is neutral and non-polar, with leucine, which is neutral and non-polar, at codon 2857 of the ZNF469 protein (p.Pro2857Leu). This variant is present in population databases (no rsID available, gnomAD 0.02%). This variant has not been reported in the literature in individuals affected with ZNF469-related conditions. ClinVar contains an entry for this variant (Variation ID: 320993). Algorithms developed to predict the effect of missense changes on protein structure and function output the following: SIFT: "Tolerated"; PolyPhen-2: "Benign"; Align-GVGD: "Class C0". The leucine amino acid residue is found in multiple mammalian species, which suggests that this missense change does not adversely affect protein function. In summary, the available evidence is currently insufficient to determine the role of this variant in disease. Therefore, it has been classified as a Variant of Uncertain Significance.